The following is an entry in ClinVar:

ClinVar aggregate classification (germline): Likely benign. Review status: criteria provided, multiple submitters, no conflicts (2 of 4 stars). 3 submissions from 3 submitters: Likely benign (3). Last evaluated 2025-07-30.

Allele frequency attached by ClinVar (database versions not stated): gnomAD exomes below 0.00001; ExAC 0.00001; gnomAD 0.00001 and 0.00003; TOPMed 0.00001.
gnomAD v4.1: 16 of 1,614,132 alleles (0.00099%); highest among the groups gnomAD compares: Admixed American, 0.0067%; no homozygotes.

Submissions (3):

Labcorp Genetics (formerly Invitae), Labcorp
Classification: Likely benign. Last evaluated: 2025-07-30. Review status: criteria provided, single submitter. Criteria: Invitae Variant Classification Sherloc (09022015). Collection method: clinical testing. Allele origin: germline.

Blueprint Genetics
Classification: Likely benign. Last evaluated: 2024-10-01. Review status: criteria provided, single submitter. Criteria: ACMG Guidelines, 2015. Collection method: clinical testing. Allele origin: germline.

GeneDx
Classification: Likely benign. Last evaluated: 2016-07-28. Review status: criteria provided, single submitter. Criteria: GeneDx Variant Classification (06012015). Collection method: clinical testing. Allele origin: germline. Affected: yes.
Comment: This variant is considered likely benign or benign based on one or more of the following criteria: it is a conservative change, it occurs at a poorly conserved position in the protein, it is predicted to be benign by multiple in silico algorithms, and/or has population frequency not consistent with disease.

NM_006009.4(TUBA1A):c.1227T>G (p.Val409=)

Gene: TUBA1A (tubulin alpha 1a; minus strand). Cytogenetic location: 12q13.12.
Variant type: single nucleotide variant.
Coding change: c.1227T>G on transcript NM_006009.4 (MANE Select); coding-DNA position 1227, T replaced by G.
Protein change: p.Val409=; no amino-acid change (valine 409 retained).
Molecular consequence: synonymous variant.
Genome position (GRCh38, 1-based): chr12:49,185,139, A>C on the plus strand (T>G on the coding strand, the complement: TUBA1A is on the minus strand). VCF-style: chr12-49185139-A-C. GRCh37 (hg19) VCF-style: chr12-49578922-A-C.
Other names: c.1227T>G, p.Val409= (NM_001270399.2); c.1122T>G, p.Val374= (NM_001270400.2).
Identifiers: ClinVar variation 378996 (VCV000378996.9), dbSNP rs766135902, ClinGen allele CA6550207.
Genomic context (GRCh38, chr12:49,185,139, plus strand): 5'-CTCAAGGGCAGCCATGTCCTCACGGGCCTCTGAAAACTCACCTTCCTCCATCCCCTCCCC[A>C]ACGTACCAGTGAACAAAGGCACGTTTGGCATACATCAGGTCAAACTTGTGGTCCAGGCGA-3'
Protein context (NP_006000.2, residues 399-419): YAKRAFVHWY[Val409=]GEGMEEGEFS